The following is an entry in ClinVar:

ClinVar aggregate classification (germline): Conflicting classifications of pathogenicity. Review status: criteria provided, conflicting classifications (1 of 4 stars). 4 submissions from 4 submitters: Uncertain significance (3); Likely benign (1). Last evaluated 2026-01-20.

Allele frequency attached by ClinVar (database versions not stated): ESP Exome Variant Server 0.00008; 1000 Genomes Project 30x 0.00016; ExAC 0.00019; 1000 Genomes Project 0.00020; gnomAD 0.00030.

Submissions (4):

GeneDx
Classification: Uncertain significance. Last evaluated: 2026-01-20. Review status: criteria provided, single submitter. Criteria: GeneDx Variant Classification Process June 2021. Collection method: clinical testing. Allele origin: germline. Affected: yes.
Comment: In silico analysis suggests that this missense variant does not alter protein structure/function; Has not been previously published as pathogenic or benign to our knowledge

Ambry Genetics
Classification: Uncertain significance. Last evaluated: 2024-11-11. Review status: criteria provided, single submitter. Criteria: Ambry Variant Classification Scheme 2023. Collection method: clinical testing. Allele origin: germline.

Labcorp Genetics (formerly Invitae), Labcorp
Classification: Uncertain significance. Last evaluated: 2024-11-11. Review status: criteria provided, single submitter. Criteria: Invitae Variant Classification Sherloc (09022015). Collection method: clinical testing. Allele origin: germline.
Comment: This sequence change replaces phenylalanine, which is neutral and non-polar, with tyrosine, which is neutral and polar, at codon 79 of the MRPS2 protein (p.Phe79Tyr). This variant is present in population databases (rs148092515, gnomAD 0.1%). This variant has not been reported in the literature in individuals affected with MRPS2-related conditions. ClinVar contains an entry for this variant (Variation ID: 1722795). Invitae Evidence Modeling of protein sequence and biophysical properties (such as structural, functional, and spatial information, amino acid conservation, physicochemical variation, residue mobility, and thermodynamic stability) indicates that this missense variant is expected to disrupt MRPS2 protein function with a positive predictive value of 80%. In summary, the available evidence is currently insufficient to determine the role of this variant in disease. Therefore, it has been classified as a Variant of Uncertain Significance.

CeGaT Center for Human Genetics Tuebingen
Classification: Likely benign. Last evaluated: 2024-04-01. Review status: criteria provided, single submitter. Criteria: CeGaT Center For Human Genetics Tuebingen Variant Classification Criteria Version 2. Collection method: clinical testing. Allele origin: germline. Affected: yes. Observed: 1 variant allele.
Comment: MRPS2: BS2

NM_016034.5(MRPS2):c.236T>A (p.Phe79Tyr)

Gene: MRPS2 (mitochondrial ribosomal protein S2; plus strand). Cytogenetic location: 9q34.3.
Variant type: single nucleotide variant.
Coding change: c.236T>A on transcript NM_016034.5 (MANE Select); coding-DNA position 236, T replaced by A.
Protein change: p.Phe79Tyr; replaces phenylalanine 79 with tyrosine.
Molecular consequence: missense variant. On other transcripts: non-coding transcript variant (4).
Genome position (GRCh38, 1-based): chr9:135,501,910, T>A. VCF-style: chr9-135501910-T-A. GRCh37 (hg19) VCF-style: chr9-138393756-T-A.
Other names: c.236T>A, p.Phe79Tyr (NM_001371401.1); c.236T>A (NM_016034.3); short protein forms F79Y.
Identifiers: ClinVar variation 1722795 (VCV001722795.30), dbSNP rs148092515, ClinGen allele CA5323864.
Genomic context (GRCh38, chr9:135,501,910, plus strand): 5'-ACGACAAGATTTTGAATGAGCCCCTCAAGCACTCTGACTTCTTCAATGTCAAGGAACTGT[T>A]TTCCGTGAGAAGCCTCTTCGATGCCCGAGTCCATCTGGGACACAAAGCTGGCTGTCGGCA-3'
Protein context (NP_057118.1, residues 69-89): HSDFFNVKEL[Phe79Tyr]SVRSLFDARV